The following is an entry in ClinVar:

NM_024408.4(NOTCH2):c.1308G>A (p.Thr436=)

Gene: NOTCH2 (notch receptor 2; minus strand). Cytogenetic location: 1p12.
Variant type: single nucleotide variant.
Coding change: c.1308G>A on transcript NM_024408.4 (MANE Select); coding-DNA position 1308, G replaced by A.
Protein change: p.Thr436=; no amino-acid change (threonine 436 retained).
Molecular consequence: synonymous variant.
Genome position (GRCh38, 1-based): chr1:119,967,578, C>T on the plus strand (G>A on the coding strand, the complement: NOTCH2 is on the minus strand). VCF-style: chr1-119967578-C-T. GRCh37 (hg19) VCF-style: chr1-120510201-C-T.
Other names: c.1308G>A, p.Thr436= (NM_001200001.2).
Identifiers: ClinVar variation 3054054 (VCV003054054.4), dbSNP rs587728761, ClinGen allele CA1040564.

ClinVar aggregate classification (germline): Likely benign. Review status: criteria provided, single submitter (1 of 4 stars). 2 submissions from 2 submitters: Likely benign (1). 1 of the submissions does not count toward it. Last evaluated 2024-08-19.

Conditions:
NOTCH2-related disorder. Also called: NOTCH2-related condition.
Hajdu-Cheney syndrome (HJCYS). Also called: Acroosteolysis dominant type; ACROOSTEOLYSIS WITH OSTEOPOROSIS AND CHANGES IN SKULL AND MANDIBLE; SERPENTINE FIBULA-POLYCYSTIC KIDNEY SYNDROME. Identifiers: Orphanet 955, MedGen C0917715, MONDO:0007057, OMIM 102500.

Allele frequency attached by ClinVar (database versions not stated): gnomAD 0.00001; gnomAD exomes 0.00001; TOPMed 0.00001; ExAC 0.00002; 1000 Genomes Project 30x 0.00016; 1000 Genomes Project 0.00020.
gnomAD v4.1: 12 of 1,614,092 alleles (0.00074%); highest among the groups gnomAD compares: East Asian, 0.013%; no homozygotes.

Submissions (2):

Labcorp Genetics (formerly Invitae), Labcorp
Classification: Likely benign for Hajdu-Cheney syndrome. Last evaluated: 2024-08-19. Review status: criteria provided, single submitter. Criteria: Invitae Variant Classification Sherloc (09022015). Collection method: clinical testing. Allele origin: germline.

PreventionGenetics, part of Exact Sciences
Classification: Likely benign for NOTCH2-related condition. Last evaluated: 2023-02-24. Review status: no assertion criteria provided. Collection method: clinical testing. Allele origin: germline. Not counted in ClinVar's aggregate classification.
Comment: This variant is classified as likely benign based on ACMG/AMP sequence variant interpretation guidelines (Richards et al. 2015 PMID: 25741868, with internal and published modifications).